The following is an entry in ClinVar:

NM_000458.4(HNF1B):c.697C>T (p.Arg233Cys)

Genes: HNF1B (HNF1 homeobox B; minus strand), LOC126862549 (BRD4-independent group 4 enhancer GRCh37_chr17:36093401-36094600; plus strand). Cytogenetic location: 17q12.
Variant type: single nucleotide variant.
Coding change: c.697C>T on transcript NM_000458.4 (MANE Select); coding-DNA position 697, C replaced by T.
Protein change: p.Arg233Cys; replaces arginine 233 with cysteine.
Molecular consequence: missense variant.
Genome position (GRCh38, 1-based): chr17:37,733,669, G>A on the plus strand (C>T on the coding strand, the complement: HNF1B is on the minus strand). VCF-style: chr17-37733669-G-A. GRCh37 (hg19) VCF-style: chr17-36093662-G-A.
Other names: c.619C>T, p.Arg207Cys (NM_001165923.4, NM_001304286.2); short protein forms R207C, R233C.
Identifiers: ClinVar variation 1320511 (VCV001320511.3), dbSNP rs760239398, ClinGen allele CA8519026.

ClinVar aggregate classification (germline): Uncertain significance (1 of 4 stars; one submission).

Allele frequency attached by ClinVar (database versions not stated): gnomAD exomes below 0.00001; ExAC 0.00001; gnomAD 0.00001.
gnomAD v4.1: 3 of 1,614,024 alleles (0.00019%); highest among the groups gnomAD compares: Middle Eastern, 0.016%; no homozygotes.

Submission:

GeneDx
Classification: Uncertain significance. Last evaluated: 2023-12-14. Review status: criteria provided, single submitter. Criteria: GeneDx Variant Classification Process June 2021. Collection method: clinical testing. Allele origin: germline. Affected: yes.
Comment: In silico analysis, which includes protein predictors and evolutionary conservation, supports a deleterious effect; Has not been previously published as pathogenic or benign to our knowledge; This variant is associated with the following publications: (PMID: 28410371)